The following is an entry in ClinVar:

NM_001283009.2(RTEL1):c.3110-10C>G

Genes: RTEL1-TNFRSF6B (RTEL1-TNFRSF6B readthrough (NMD candidate); plus strand), RTEL1 (regulator of telomere elongation helicase 1; plus strand). Cytogenetic location: 20q13.33.
Variant type: single nucleotide variant.
Coding change: c.3110-10C>G on transcript NM_001283009.2 (MANE Select); 10 bases into the intron before coding-DNA position 3110, C replaced by G.
Molecular consequence: intron variant.
Genome position (GRCh38, 1-based): chr20:63,694,731, C>G. VCF-style: chr20-63694731-C-G. GRCh37 (hg19) VCF-style: chr20-62326084-C-G.
Other names: c.2441-10C>G (NM_001283010.1); c.3182-10C>G (NM_032957.5); c.3110-10C>G (NM_016434.4).
Identifiers: ClinVar variation 963260 (VCV000963260.10), dbSNP rs2090927100, ClinGen allele CA1139666809.
Genomic context (GRCh38, chr20:63,694,731, plus strand): 5'-GCGGGCAGGGCGGTGGGACTCTCAGTCCTCCACCCCAGCGCCACTCTGAGCCATGCTACT[C>G]CCACACCAGGAGACCCTGGCAGCCAACCACAGTGGGGGTCTGGAGTGCCCAGAGCAGGGA-3'

ClinVar aggregate classification (germline): Uncertain significance. Review status: criteria provided, single submitter (1 of 4 stars). 2 submissions from 2 submitters: Uncertain significance (1). 1 of the submissions does not count toward it. Last evaluated 2025-05-14.

Conditions:
Dyskeratosis congenita, autosomal recessive 5 (DKCB5). Identifiers: MedGen C3554656, MONDO:0014076, OMIM 615190.
Pulmonary fibrosis and/or bone marrow failure, Telomere-related, 3. Also called: PULMONARY FIBROSIS AND/OR BONE MARROW FAILURE SYNDROME, TELOMERE-RELATED, 3. Identifiers: Orphanet 2032, MedGen C4225346, MONDO:0014613, OMIM 616373.
Dyskeratosis congenita. Identifiers: Orphanet 1775, MedGen C0265965, MONDO:0015780.

gnomAD v4.1: 5 of 1,592,552 alleles (0.00031%); highest among the groups gnomAD compares: Non-Finnish European, 0.00043%; no homozygotes.

Submissions (2):

Labcorp Genetics (formerly Invitae), Labcorp
Classification: Uncertain significance for Dyskeratosis congenita, autosomal recessive 5; Pulmonary fibrosis and/or bone marrow failure, Telomere-related, 3. Last evaluated: 2025-05-14. Review status: criteria provided, single submitter. Criteria: Invitae Variant Classification Sherloc (09022015). Collection method: clinical testing. Allele origin: germline.
Comment: This sequence change falls in intron 31 of the RTEL1 gene. It does not directly change the encoded amino acid sequence of the RTEL1 protein. This variant is not present in population databases (gnomAD no frequency). This variant has not been reported in the literature in individuals affected with RTEL1-related conditions. ClinVar contains an entry for this variant (Variation ID: 963260). Algorithms developed to predict the effect of sequence changes on RNA splicing suggest that this variant may disrupt the consensus splice site. In summary, the available evidence is currently insufficient to determine the role of this variant in disease. Therefore, it has been classified as a Variant of Uncertain Significance.

Natera, Inc.
Classification: Uncertain significance for Dyskeratosis congenita. Last evaluated: 2020-08-17. Review status: no assertion criteria provided. Collection method: clinical testing. Allele origin: germline. Not counted in ClinVar's aggregate classification.